The following is an entry in ClinVar:

ClinVar aggregate classification (germline): Uncertain significance. Review status: criteria provided, multiple submitters, no conflicts (2 of 4 stars). 3 submissions from 3 submitters: Uncertain significance (3). Last evaluated 2026-02-24.

Conditions:
Catecholaminergic polymorphic ventricular tachycardia (CVPT). Also called: Catecholamine-induced polymorphic ventricular tachycardia. Identifiers: Orphanet 3286, MedGen C5574922, MONDO:0017990.
Catecholaminergic polymorphic ventricular tachycardia 1. Also called: VENTRICULAR TACHYCARDIA, CATECHOLAMINERGIC POLYMORPHIC, 1, WITH OR WITHOUT ATRIAL DYSFUNCTION AND/OR DILATED CARDIOMYOPATHY; RYR2-Related Catecholaminergic Polymorphic Ventricular Tachycardia; VENTRICULAR TACHYCARDIA, STRESS-INDUCED POLYMORPHIC 1. Identifiers: Orphanet 3286, MedGen C1631597, MONDO:0011484, OMIM 604772.

Allele frequency attached by ClinVar (database versions not stated): TOPMed below 0.00001.

Submissions (3):

Helix
Classification: Uncertain significance for Catecholaminergic polymorphic ventricular tachycardia 1. Last evaluated: 2026-02-24. Review status: criteria provided, single submitter. Criteria: ACMG Guidelines, 2015. Collection method: clinical testing. Allele origin: germline. Inheritance: Autosomal dominant inheritance.
Comment: This variant (NM_001035.3:c.9043G>C p.Val3015Leu) results in the substitution of valine with leucine at codon 3015 in the RYR2 protein. It is a rare variant that is absent from the large gnomAD population database (v4.1). To our knowledge, this variant has not been reported in individuals with RYR2-related conditions in the published literature. In silico prediction from REVEL (PMID: 27666373) is indeterminate. This variant is present in ClinVar (Accession: VCV001523391.10). In conclusion, since the available evidence is limited, the clinical significance of this variant is unclear at this time. Therefore, it is classified as a Variant of Uncertain Significance.

Labcorp Genetics (formerly Invitae), Labcorp
Classification: Uncertain significance for Catecholaminergic polymorphic ventricular tachycardia 1. Last evaluated: 2025-08-18. Review status: criteria provided, single submitter. Criteria: Invitae Variant Classification Sherloc (09022015). Collection method: clinical testing. Allele origin: germline.
Comment: This sequence change replaces valine, which is neutral and non-polar, with leucine, which is neutral and non-polar, at codon 3015 of the RYR2 protein (p.Val3015Leu). This variant is not present in population databases (gnomAD no frequency). This variant has not been reported in the literature in individuals affected with RYR2-related conditions. ClinVar contains an entry for this variant (Variation ID: 1523391). Invitae Evidence Modeling of protein sequence and biophysical properties (such as structural, functional, and spatial information, amino acid conservation, physicochemical variation, residue mobility, and thermodynamic stability) indicates that this missense variant is not expected to disrupt RYR2 protein function with a negative predictive value of 95%. In summary, the available evidence is currently insufficient to determine the role of this variant in disease. Therefore, it has been classified as a Variant of Uncertain Significance.

All of Us Research Program, National Institutes of Health
Classification: Uncertain significance for Catecholaminergic polymorphic ventricular tachycardia. Last evaluated: 2023-08-15. Review status: criteria provided, single submitter. Criteria: ACMG Guidelines, 2015. Collection method: clinical testing. Allele origin: germline. Inheritance: Autosomal dominant inheritance. Observed: 1 variant allele, 1 heterozygote.
Comment: This missense variant replaces valine with leucine at codon 3015 of the RYR2 protein. Computational prediction suggests that this variant may not impact protein structure and function (internally defined REVEL score threshold <= 0.5, PMID: 27666373). To our knowledge, functional studies have not been reported for this variant. This variant has not been reported in individuals affected with RYR2-related disorders in the literature. This variant has not been identified in the general population by the Genome Aggregation Database (gnomAD). The available evidence is insufficient to determine the role of this variant in disease conclusively. Therefore, this variant is classified as a Variant of Uncertain Significance.

This study involves interpretation of variants in research participants for the purpose of population health screening. Participant phenotype was not available at the time of variant classification. Additional details can be found in publication PMID: 35346344, PMCID: PMC8962531

NM_001035.3(RYR2):c.9043G>C (p.Val3015Leu)

Gene: RYR2 (ryanodine receptor 2; plus strand). Cytogenetic location: 1q43.
Variant type: single nucleotide variant.
Coding change: c.9043G>C on transcript NM_001035.3 (MANE Select); coding-DNA position 9043, G replaced by C.
Protein change: p.Val3015Leu; replaces valine 3015 with leucine.
Molecular consequence: missense variant.
Genome position (GRCh38, 1-based): chr1:237,687,480, G>C. VCF-style: chr1-237687480-G-C. GRCh37 (hg19) VCF-style: chr1-237850780-G-C.
Other names: short protein forms V3015L.
Identifiers: ClinVar variation 1523391 (VCV001523391.11), dbSNP rs1490052579, ClinGen allele CA345405850.